The following is an entry in ClinVar:

NM_004655.4(AXIN2):c.781G>A (p.Val261Met)

Gene: AXIN2 (axin 2; minus strand). Cytogenetic location: 17q24.1.
Variant type: single nucleotide variant.
Coding change: c.781G>A on transcript NM_004655.4 (MANE Select); coding-DNA position 781, G replaced by A.
Protein change: p.Val261Met; replaces valine 261 with methionine.
Molecular consequence: missense variant.
Genome position (GRCh38, 1-based): chr17:65,557,840, C>T on the plus strand (G>A on the coding strand, the complement: AXIN2 is on the minus strand). VCF-style: chr17-65557840-C-T. GRCh37 (hg19) VCF-style: chr17-63553958-C-T.
Other names: c.781G>A, p.Val261Met (NM_001363813.1); short protein forms V261M.
Identifiers: ClinVar variation 3470977 (VCV003470977.1).

ClinVar aggregate classification (germline): Uncertain significance (1 of 4 stars; one submission).

Conditions:
Hereditary cancer-predisposing syndrome. Also called: Tumor predisposition; Neoplastic Syndromes, Hereditary; Hereditary neoplastic syndrome; Hereditary Cancer Syndrome. Identifiers: Orphanet 140162, MedGen C0027672, MeSH D009386, MONDO:0015356.

Submission:

Ambry Genetics
Classification: Uncertain significance for Hereditary cancer-predisposing syndrome. Last evaluated: 2024-12-07. Review status: criteria provided, single submitter. Criteria: Ambry Variant Classification Scheme 2023. Collection method: clinical testing. Allele origin: germline.
Comment: The p.V261M variant (also known as c.781G>A), located in coding exon 1 of the AXIN2 gene, results from a G to A substitution at nucleotide position 781. The valine at codon 261 is replaced by methionine, an amino acid with highly similar properties. This amino acid position is conserved. In addition, this alteration is predicted to be tolerated by in silico analysis. Based on the available evidence, the clinical significance of this variant remains unclear.